The following is an entry in ClinVar:

NM_001042492.3(NF1):c.4164C>T (p.Asn1388=)

Gene: NF1 (neurofibromin 1; plus strand). Cytogenetic location: 17q11.2.
Variant type: single nucleotide variant.
Coding change: c.4164C>T on transcript NM_001042492.3 (MANE Select); coding-DNA position 4164, C replaced by T.
Protein change: p.Asn1388=; no amino-acid change (asparagine 1388 retained).
Molecular consequence: synonymous variant. On other transcripts: intron variant (1).
Genome position (GRCh38, 1-based): chr17:31,252,991, C>T. VCF-style: chr17-31252991-C-T. GRCh37 (hg19) VCF-style: chr17-29580009-C-T.
Other names: c.4110+3872C>T (NM_000267.4).
Identifiers: ClinVar variation 4875865 (VCV004875865.1).
Genomic context (GRCh38, chr17:31,252,991, plus strand): 5'-TCTGTAGGCAACTTGCCACTCCCTACTGAATAAAGCTACAGTAAAAGAAAAAAAGGAAAA[C>T]AAAAAATCAGTAAGTTTGGAGAACTTTTTATTAGCTGTTTCTTTCAAAGCAAAACAAAAA-3'
Protein context (NP_001035957.1, residues 1378-1398): NKATVKEKKE[Asn1388=]KKSVVSQRFP

ClinVar aggregate classification (germline): Benign (1 of 4 stars; one submission).

Conditions:
Neurofibromatosis, type 1 (NF1). Also called: VON RECKLINGHAUSEN DISEASE; NEUROFIBROMATOSIS, TYPE I, SOMATIC; Peripheral type neurofibromatosis; Neurofibromatosis, type I. Identifiers: Orphanet 636, MedGen C0027831, MONDO:0018975, OMIM 162200. Disease mechanism: loss of function.

Submission:

Myriad Genetics, Inc.
Classification: Benign for Neurofibromatosis, type 1. Last evaluated: 2026-05-19. Review status: criteria provided, single submitter. Criteria: Myriad Autosomal Dominant, Autosomal Recessive and X-Linked Classification Criteria (2023). Collection method: clinical testing. Allele origin: unknown.
Comment: This variant is considered benign. This variant is a silent/synonymous amino acid change and it is not expected to impact splicing.